The following is an entry in ClinVar:

NM_153240.5(NPHP3):c.2773del (p.Ser925fs)

Genes: NPHP3 (nephrocystin 3; minus strand), NPHP3-ACAD11 (NPHP3-ACAD11 readthrough (NMD candidate); minus strand). Cytogenetic location: 3q22.1.
Variant type: Deletion.
Coding change: c.2773del on transcript NM_153240.5 (MANE Select); coding-DNA position 2773, one base deleted (T; older notation c.2773delT).
Protein change: p.Ser925fs; shifts the reading frame from serine 925.
Molecular consequence: frameshift variant. On other transcripts: non-coding transcript variant (1).
Genome position (GRCh38, 1-based): chr3:132,689,184, A deleted on the plus strand (T on the coding strand, the reverse complement: NPHP3 is on the minus strand); the first of 2 consecutive A bases (chr3:132,689,184-132,689,185); deleting either gives the same sequence. VCF-style (leftmost placement, unchanged base first): chr3-132689183-GA-G. GRCh37 (hg19) VCF-style: chr3-132408027-GA-G.
Other names: short protein forms S925fs.
Identifiers: ClinVar variation 3647270 (VCV003647270.2).

ClinVar aggregate classification (germline): Pathogenic (1 of 4 stars; one submission).

Conditions:
Nephronophthisis. Also called: Juvenile Nephronophthisis. Identifiers: Orphanet 655, MedGen C0687120, MONDO:0019005, HP:0000090.

Submission:

Labcorp Genetics (formerly Invitae), Labcorp
Classification: Pathogenic for Nephronophthisis. Last evaluated: 2024-03-21. Review status: criteria provided, single submitter. Criteria: Invitae Variant Classification Sherloc (09022015). Collection method: clinical testing. Allele origin: germline.
Comment: This sequence change creates a premature translational stop signal (p.Ser925Hisfs*2) in the NPHP3 gene. It is expected to result in an absent or disrupted protein product. Loss-of-function variants in NPHP3 are known to be pathogenic (PMID: 18371931, 23559409). This variant is not present in population databases (gnomAD no frequency). This variant has not been reported in the literature in individuals affected with NPHP3-related conditions. For these reasons, this variant has been classified as Pathogenic.

Literature cited by the submitters: PubMed 18371931; PubMed 23559409.